The following is an entry in ClinVar:

NM_001267550.2(TTN):c.34411_34414del (p.Lys11471fs)

Gene: TTN (titin; minus strand). Cytogenetic location: 2q31.2.
Variant type: Deletion.
Coding change: c.34411_34414del on transcript NM_001267550.2 (MANE Select); coding-DNA positions 34411 to 34414, 4 bases deleted (AAAG; older notation c.34411_34414delAAAG).
Protein change: p.Lys11471fs; shifts the reading frame from lysine 11471.
Molecular consequence: frameshift variant. On other transcripts: intron variant (3).
Genome position (GRCh38, 1-based): chr2:178,675,960-178,675,963, CTTT deleted on the plus strand (AAAG on the coding strand, the reverse complement: TTN is on the minus strand); deleting any 4 consecutive bases within chr2:178,675,960-178,675,966 gives the same sequence; the c. name uses the placement nearest the transcript's 3' end. VCF-style (leftmost placement, unchanged base first): chr2-178675959-ACTTT-A. GRCh37 (hg19) VCF-style: chr2-179540686-ACTTT-A.
Other names: c.33373_33376del, p.Lys11125fs (NM_001256850.1); c.30592_30595del, p.Lys10198fs (NM_133378.4); c.13283-33646_13283-33643del (NM_003319.4); c.13859-33646_13859-33643del (NM_133437.4); c.13658-33646_13658-33643del (NM_133432.3); c.30592_30595delAAAG (NM_133378.4); short protein forms K11125fs, K10198fs, K11471fs.
Identifiers: ClinVar variation 1704612 (VCV001704612.3), dbSNP rs2473680440, ClinGen allele CA2577172256.

ClinVar aggregate classification (germline): Likely pathogenic (1 of 4 stars; one submission).

Conditions:
Autosomal recessive limb-girdle muscular dystrophy type 2J (LGMDR10). Also called: MUSCULAR DYSTROPHY, LIMB-GIRDLE, AUTOSOMAL RECESSIVE 10; Limb-girdle muscular dystrophy, type 2J. Identifiers: Orphanet 140922, MedGen C1837342, MONDO:0012127, OMIM 608807.

Submission:

Women's Health and Genetics/Laboratory Corporation of America, LabCorp
Classification: Likely pathogenic for Autosomal recessive limb-girdle muscular dystrophy type 2J. Last evaluated: 2025-01-16. Review status: criteria provided, single submitter. Criteria: LabCorp Variant Classification Summary - May 2015. Collection method: clinical testing. Allele origin: germline.
Comment: Variant summary: TTN NM_133378:c.30592_30595delAAAG (p.Lys10198TrpfsX39) (also known as NM_001267550:c.34411_34414delAAAG) results in a premature termination codon, predicted to cause a truncation of the encoded protein or absence of the protein due to nonsense mediated decay, which are commonly known mechanisms for disease. Loss of function variants in all TTN bands are strongly associated with a spectrum of autosomal recessive titinopathies when exon expression (proportion spliced in, PSI, 1=complete expression) in skeletal muscle is >0.1 (PMID: 36977548, 39198997, 29598826, 32778822, 29691892, 33449170, 36977548, internal data). In contrast, loss of function variants in all TTN bands are only strongly associated with autosomal dominant TTN-related cardiomyopathies if located in exons constitutively expressed (PSI >0.9) in cardiac muscle, excluding extreme C-terminal exons 359-363 (PMID: 25589632, 31216868, 32964742, 34662387, 27869827, Shetty et al., Nat Cardiovasc Res 2024,, internal data). This variant has a maximum skeletal muscle PSI of 0.554 and a maximum cardiac muscle PSI of 0.030. The variant was absent in 240290 control chromosomes. To our knowledge, no occurrence of c.30592_30595delAAAG in individuals affected with TTN-related conditions and no experimental evidence demonstrating its impact on protein function have been reported. ClinVar contains an entry for this variant (Variation ID: 1704612). Based on the evidence outlined above, the variant was classified as likely pathogenic for autosomal recessive TTN-related conditions.